The following is an entry in ClinVar:

NM_030773.4(TUBB1):c.392A>G (p.Gln131Arg)

Gene: TUBB1 (tubulin beta 1 class VI; plus strand). Cytogenetic location: 20q13.32.
Variant type: single nucleotide variant.
Coding change: c.392A>G on transcript NM_030773.4 (MANE Select); coding-DNA position 392, A replaced by G.
Protein change: p.Gln131Arg; replaces glutamine 131 with arginine.
Molecular consequence: missense variant.
Genome position (GRCh38, 1-based): chr20:59,023,819, A>G. VCF-style: chr20-59023819-A-G. GRCh37 (hg19) VCF-style: chr20-57598874-A-G.
Other names: short protein forms Q131R.
Identifiers: ClinVar variation 3720163 (VCV003720163.2).

ClinVar aggregate classification (germline): Uncertain significance (1 of 4 stars; one submission).

Submission:

Labcorp Genetics (formerly Invitae), Labcorp
Classification: Uncertain significance. Last evaluated: 2024-11-23. Review status: criteria provided, single submitter. Criteria: Invitae Variant Classification Sherloc (09022015). Collection method: clinical testing. Allele origin: germline.
Comment: This sequence change replaces glutamine, which is neutral and polar, with arginine, which is basic and polar, at codon 131 of the TUBB1 protein (p.Gln131Arg). This variant is not present in population databases (gnomAD no frequency). This variant has not been reported in the literature in individuals affected with TUBB1-related conditions. Invitae Evidence Modeling of protein sequence and biophysical properties (such as structural, functional, and spatial information, amino acid conservation, physicochemical variation, residue mobility, and thermodynamic stability) indicates that this missense variant is expected to disrupt TUBB1 protein function with a positive predictive value of 80%. In summary, the available evidence is currently insufficient to determine the role of this variant in disease. Therefore, it has been classified as a Variant of Uncertain Significance.